The following is an entry in ClinVar:

NM_016507.4(CDK12):c.4414T>C (p.Tyr1472His)

Gene: CDK12 (cyclin dependent kinase 12; plus strand). Cytogenetic location: 17q12.
Variant type: single nucleotide variant.
Coding change: c.4414T>C on transcript NM_016507.4 (MANE Select); coding-DNA position 4414, T replaced by C.
Protein change: p.Tyr1472His; replaces tyrosine 1472 with histidine.
Molecular consequence: missense variant.
Genome position (GRCh38, 1-based): chr17:39,531,257, T>C. VCF-style: chr17-39531257-T-C. GRCh37 (hg19) VCF-style: chr17-37687510-T-C.
Other names: c.4387T>C, p.Tyr1463His (NM_015083.4); short protein forms Y1463H, Y1472H.
Identifiers: ClinVar variation 4868561 (VCV004868561.1).
Genomic context (GRCh38, chr17:39,531,257, plus strand): 5'-AGCTCAGGAGCAGGCCTTCACTGGGGGGGCCCAACTCAGTCTTCTGCTTATGGAAAACTC[T>C]ATCGGGGGCCTACAAGAGTCCCACCAAGAGGGGGAAGAGGGAGAGGAGTTCCTTACTAAC-3'
Protein context (NP_057591.2, residues 1462-1482): PTQSSAYGKL[Tyr1472His]RGPTRVPPRG

ClinVar aggregate classification (germline): Uncertain significance (1 of 4 stars; one submission).

gnomAD v4.1: 3 of 1,509,896 alleles (0.0002%); highest among the groups gnomAD compares: East Asian, 0.0069%; no homozygotes.

Submission:

Ambry Genetics
Classification: Uncertain significance. Last evaluated: 2026-05-27. Review status: criteria provided, single submitter. Criteria: Ambry Variant Classification Scheme 2023. Collection method: clinical testing. Allele origin: germline.
Comment: The p.Y1472H variant (also known as c.4414T>C), located in coding exon 14 of the CDK12 gene, results from a T to C substitution at nucleotide position 4414. The tyrosine at codon 1472 is replaced by histidine, an amino acid with similar properties. This amino acid position is conserved. In addition, the in silico prediction for this alteration is inconclusive. Based on the available evidence, the clinical significance of this variant remains unclear.